The following is an entry in ClinVar:

ClinVar aggregate classification (germline): Uncertain significance (1 of 4 stars; one submission).

Allele frequency attached by ClinVar (database versions not stated): gnomAD exomes below 0.00001.
gnomAD v4.1: 2 of 1,590,278 alleles (0.00013%); highest among the groups gnomAD compares: East Asian, 0.0022%; no homozygotes.

Submission:

Labcorp Genetics (formerly Invitae), Labcorp
Classification: Uncertain significance. Last evaluated: 2023-12-06. Review status: criteria provided, single submitter. Criteria: Invitae Variant Classification Sherloc (09022015). Collection method: clinical testing. Allele origin: germline.
Comment: This variant occurs in a non-coding region of the ANKRD26 gene. It does not change the encoded amino acid sequence of the ANKRD26 protein. This variant is not present in population databases (gnomAD no frequency). This variant has not been reported in the literature in individuals affected with ANKRD26-related conditions. In summary, the available evidence is currently insufficient to determine the role of this variant in disease. Therefore, it has been classified as a Variant of Uncertain Significance.

NM_014915.3(ANKRD26):c.-72T>C

Gene: ANKRD26 (ankyrin repeat domain 26; minus strand). Cytogenetic location: 10p12.1.
Variant type: single nucleotide variant.
Coding change: c.-72T>C on transcript NM_014915.3 (MANE Select); 72 bases upstream of the start codon, T replaced by C.
Molecular consequence: 5 prime UTR variant.
Genome position (GRCh38, 1-based): chr10:27,100,398, A>G on the plus strand (T>C on the coding strand, the complement: ANKRD26 is on the minus strand). VCF-style: chr10-27100398-A-G. GRCh37 (hg19) VCF-style: chr10-27389327-A-G.
Other names: c.-72T>C (NM_001256053.2).
Identifiers: ClinVar variation 3001607 (VCV003001607.3), dbSNP rs2539366340, ClinGen allele CA2574517242.
Genomic context (GRCh38, chr10:27,100,398, plus strand): 5'-CCGGGCTTCAGAGACACCTCATGTCTCTCTCGGCTCTTAACGGCCTCCGGAGCCCAACAT[A>G]ACAAGTCAGCCCCGGCTGGCCGCAGCCTCCCAAAGGAAACTCCGCGGTTTCCAATCTCTC-3'